The following is an entry in ClinVar:

NM_001943.5(DSG2):c.2975T>C (p.Ile992Thr)

Genes: DSG2 (desmoglein 2; plus strand), DSG2-AS1 (DSG2 antisense RNA 1; minus strand). Cytogenetic location: 18q12.1.
Variant type: single nucleotide variant.
Coding change: c.2975T>C on transcript NM_001943.5 (MANE Select); coding-DNA position 2975, T replaced by C.
Protein change: p.Ile992Thr; replaces isoleucine 992 with threonine.
Molecular consequence: missense variant.
Genome position (GRCh38, 1-based): chr18:31,546,361, T>C. VCF-style: chr18-31546361-T-C. GRCh37 (hg19) VCF-style: chr18-29126324-T-C.
Other names: short protein forms I992T.
Identifiers: ClinVar variation 1798327 (VCV001798327.5), dbSNP rs1339663988, ClinGen allele CA402147614.

ClinVar aggregate classification (germline): Uncertain significance. Review status: criteria provided, multiple submitters, no conflicts (2 of 4 stars). 2 submissions from 2 submitters: Uncertain significance (2). Last evaluated 2025-02-09.

Conditions:
Arrhythmogenic right ventricular dysplasia 10. Also called: Arrhythmogenic Right Ventricular Dysplasia/Cardiomyopathy10; ARRHYTHMOGENIC RIGHT VENTRICULAR DYSPLASIA, FAMILIAL, 10; Arrhythmogenic right ventricular dysplasia/cardiomyopathy, type 10. Identifiers: MedGen C1857777, MONDO:0012434, OMIM 610193.
Cardiovascular phenotype. Identifiers: MedGen CN230736.

Allele frequency attached by ClinVar (database versions not stated): gnomAD exomes below 0.00001; TOPMed 0.00002; gnomAD 0.00003.
gnomAD v4.1: 5 of 1,613,758 alleles (0.00031%); highest among the groups gnomAD compares: African/African-American, 0.0067%; no homozygotes.

Submissions (2):

Ambry Genetics
Classification: Uncertain significance for Cardiovascular phenotype. Last evaluated: 2025-02-09. Review status: criteria provided, single submitter. Criteria: Ambry Variant Classification Scheme 2023. Collection method: clinical testing. Allele origin: germline.
Comment: The p.I992T variant (also known as c.2975T>C), located in coding exon 15 of the DSG2 gene, results from a T to C substitution at nucleotide position 2975. The isoleucine at codon 992 is replaced by threonine, an amino acid with similar properties. This amino acid position is conserved. In addition, this alteration is predicted to be tolerated by in silico analysis. Since supporting evidence is limited at this time, the clinical significance of this alteration remains unclear.

Labcorp Genetics (formerly Invitae), Labcorp
Classification: Uncertain significance for Arrhythmogenic right ventricular dysplasia 10. Last evaluated: 2024-10-28. Review status: criteria provided, single submitter. Criteria: Invitae Variant Classification Sherloc (09022015). Collection method: clinical testing. Allele origin: germline.
Comment: This sequence change replaces isoleucine, which is neutral and non-polar, with threonine, which is neutral and polar, at codon 992 of the DSG2 protein (p.Ile992Thr). This variant is not present in population databases (gnomAD no frequency). This variant has not been reported in the literature in individuals affected with DSG2-related conditions. ClinVar contains an entry for this variant (Variation ID: 1798327). Invitae Evidence Modeling of protein sequence and biophysical properties (such as structural, functional, and spatial information, amino acid conservation, physicochemical variation, residue mobility, and thermodynamic stability) indicates that this missense variant is not expected to disrupt DSG2 protein function with a negative predictive value of 95%. In summary, the available evidence is currently insufficient to determine the role of this variant in disease. Therefore, it has been classified as a Variant of Uncertain Significance.